The following is an entry in ClinVar:

NM_012156.2(EPB41L1):c.1394G>A (p.Arg465Gln)

Gene: EPB41L1 (erythrocyte membrane protein band 4.1 like 1; plus strand). Cytogenetic location: 20q11.23.
Variant type: single nucleotide variant.
Coding change: c.1394G>A on transcript NM_012156.2 (MANE Select); coding-DNA position 1394, G replaced by A.
Protein change: p.Arg465Gln; replaces arginine 465 with glutamine.
Molecular consequence: missense variant.
Genome position (GRCh38, 1-based): chr20:36,194,305, G>A. VCF-style: chr20-36194305-G-A. GRCh37 (hg19) VCF-style: chr20-34782227-G-A.
Other names: c.1208G>A, p.Arg403Gln (NM_001424403.1, NM_001424404.1, NM_001424405.1 and 13 more transcripts); c.1394G>A, p.Arg465Gln (NM_001258329.1, NM_001424383.1, NM_001424384.1 and 6 more transcripts); c.1301G>A, p.Arg434Gln (NM_001258330.1); c.1205G>A, p.Arg402Gln (NM_001424374.1, NM_001424377.1, NM_001424379.1 and 3 more transcripts); c.1391G>A, p.Arg464Gln (NM_001424382.1, NM_001424385.1, NM_001424386.1 and 4 more transcripts); short protein forms R402Q, R403Q, R434Q, R464Q, R465Q.
Identifiers: ClinVar variation 3025316 (VCV003025316.23), dbSNP rs371544808, ClinGen allele CA9839854.

ClinVar aggregate classification (germline): Conflicting classifications of pathogenicity. Review status: criteria provided, conflicting classifications (1 of 4 stars). 2 submissions from 2 submitters: Uncertain significance (1); Likely benign (1). Last evaluated 2024-08-01.

Allele frequency attached by ClinVar (database versions not stated): TOPMed 0.00006; gnomAD 0.00007; ESP Exome Variant Server 0.00008; ExAC 0.00023.
gnomAD v4.1: 210 of 1,613,972 alleles (0.013%); highest among the groups gnomAD compares: South Asian, 0.082%; no homozygotes.

Submissions (2):

Ambry Genetics
Classification: Uncertain significance. Last evaluated: 2024-08-01. Review status: criteria provided, single submitter. Criteria: Ambry Variant Classification Scheme 2023. Collection method: clinical testing. Allele origin: germline.

CeGaT Center for Human Genetics Tuebingen
Classification: Likely benign. Last evaluated: 2024-01-01. Review status: criteria provided, single submitter. Criteria: CeGaT Center For Human Genetics Tuebingen Variant Classification Criteria Version 2. Collection method: clinical testing. Allele origin: germline. Affected: yes. Observed: 1 variant allele.
Comment: EPB41L1: BP4